The following is an entry in ClinVar:

ClinVar aggregate classification (germline): Likely benign (1 of 4 stars; one submission).

Allele frequency attached by ClinVar (database versions not stated): gnomAD exomes below 0.00001.
gnomAD v4.1: 1 of 1,613,420 alleles (0.000062%); highest among the groups gnomAD compares: Non-Finnish European, 0.000085%; no homozygotes.

Submission:

CeGaT Center for Human Genetics Tuebingen
Classification: Likely benign. Last evaluated: 2024-06-01. Review status: criteria provided, single submitter. Criteria: CeGaT Center For Human Genetics Tuebingen Variant Classification Criteria Version 2. Collection method: clinical testing. Allele origin: germline. Affected: yes. Observed: 2 variant alleles.
Comment: SLC19A3: PM2:Supporting, BP4, BP7

NM_025243.4(SLC19A3):c.123A>T (p.Gly41=)

Gene: SLC19A3 (solute carrier family 19 member 3; minus strand). Cytogenetic location: 2q36.3.
Variant type: single nucleotide variant.
Coding change: c.123A>T on transcript NM_025243.4 (MANE Select); coding-DNA position 123, A replaced by T.
Protein change: p.Gly41=; no amino-acid change (glycine 41 retained).
Molecular consequence: synonymous variant. On other transcripts: 5 prime UTR variant (2).
Genome position (GRCh38, 1-based): chr2:227,702,196, T>A on the plus strand (A>T on the coding strand, the complement: SLC19A3 is on the minus strand). VCF-style: chr2-227702196-T-A. GRCh37 (hg19) VCF-style: chr2-228566912-T-A.
Other names: c.123A>T, p.Gly41= (NM_001371411.1, NM_001371412.1); c.-86A>T (NM_001371413.1, NM_001371414.1).
Identifiers: ClinVar variation 2651966 (VCV002651966.24), dbSNP rs2106332562, ClinGen allele CA431517604.